The following is an entry in ClinVar:

ClinVar aggregate classification (germline): Uncertain significance (1 of 4 stars; one submission).

Allele frequency attached by ClinVar (database versions not stated): gnomAD 0.00001; TOPMed 0.00001; ExAC 0.00002; gnomAD exomes 0.00002.
gnomAD v4.1: 48 of 1,614,022 alleles (0.003%); highest among the groups gnomAD compares: Non-Finnish European, 0.0038%; no homozygotes.

Submission:

Labcorp Genetics (formerly Invitae), Labcorp
Classification: Uncertain significance. Last evaluated: 2023-03-01. Review status: criteria provided, single submitter. Criteria: Invitae Variant Classification Sherloc (09022015). Collection method: clinical testing. Allele origin: germline.
Comment: This variant is present in population databases (rs768061512, gnomAD 0.007%). This variant has not been reported in the literature in individuals affected with LRP5-related conditions. ClinVar contains an entry for this variant (Variation ID: 1515438). Advanced modeling of protein sequence and biophysical properties (such as structural, functional, and spatial information, amino acid conservation, physicochemical variation, residue mobility, and thermodynamic stability) has been performed at Invitae for this missense variant, however the output from this modeling did not meet the statistical confidence thresholds required to predict the impact of this variant on LRP5 protein function. In summary, the available evidence is currently insufficient to determine the role of this variant in disease. Therefore, it has been classified as a Variant of Uncertain Significance. This sequence change replaces alanine, which is neutral and non-polar, with threonine, which is neutral and polar, at codon 606 of the LRP5 protein (p.Ala606Thr).

NM_002335.4(LRP5):c.1816G>A (p.Ala606Thr)

Gene: LRP5 (LDL receptor related protein 5; plus strand). Cytogenetic location: 11q13.2.
Variant type: single nucleotide variant.
Coding change: c.1816G>A on transcript NM_002335.4 (MANE Select); coding-DNA position 1816, G replaced by A.
Protein change: p.Ala606Thr; replaces alanine 606 with threonine.
Molecular consequence: missense variant.
Genome position (GRCh38, 1-based): chr11:68,406,538, G>A. VCF-style: chr11-68406538-G-A. GRCh37 (hg19) VCF-style: chr11-68174006-G-A.
Other names: c.73G>A, p.Ala25Thr (NM_001291902.2); short protein forms A606T, A25T.
Identifiers: ClinVar variation 1515438 (VCV001515438.6), dbSNP rs768061512, ClinGen allele CA6149462.